The following is an entry in ClinVar:

NM_005502.4(ABCA1):c.3542C>T (p.Ser1181Phe)

Gene: ABCA1 (ATP binding cassette subfamily A member 1; minus strand). Cytogenetic location: 9q31.1.
Variant type: single nucleotide variant.
Coding change: c.3542C>T on transcript NM_005502.4 (MANE Select); coding-DNA position 3542, C replaced by T.
Protein change: p.Ser1181Phe; replaces serine 1181 with phenylalanine.
Molecular consequence: missense variant.
Genome position (GRCh38, 1-based): chr9:104,816,339, G>A on the plus strand (C>T on the coding strand, the complement: ABCA1 is on the minus strand). VCF-style: chr9-104816339-G-A. GRCh37 (hg19) VCF-style: chr9-107578620-G-A.
Other names: short protein forms S1181F.
Identifiers: ClinVar variation 364415 (VCV000364415.29), dbSNP rs76881554, ClinGen allele CA5168397.

ClinVar aggregate classification (germline): Conflicting classifications of pathogenicity. Review status: criteria provided, conflicting classifications (1 of 4 stars). 10 submissions from 9 submitters: Uncertain significance (4); Benign (1); Likely benign (5). Last evaluated 2026-01-11.

Conditions:
Cardiovascular phenotype. Identifiers: MedGen CN230736.
Hypoalphalipoproteinemia, primary, 1. Identifiers: Orphanet 425, MedGen C5231558, MONDO:0011393, OMIM 604091.
Tangier disease (TGD). Also called: HIGH DENSITY LIPOPROTEIN DEFICIENCY, TANGIER TYPE; HIGH DENSITY LIPOPROTEIN DEFICIENCY, TYPE 1; Cholesterol thesaurismosis. Identifiers: Orphanet 31150, MedGen C0039292, MONDO:0008783, OMIM 205400.

Allele frequency attached by ClinVar (database versions not stated): 1000 Genomes Project 30x 0.00047; 1000 Genomes Project 0.00060; TOPMed 0.00099; ExAC 0.00129; gnomAD exomes 0.00135 and 0.00166; gnomAD 0.00139 and 0.00145; ESP Exome Variant Server 0.00154.
gnomAD v4.1: 2,594 of 1,613,706 alleles (0.16%); highest among the groups gnomAD compares: Non-Finnish European, 0.19%; 1 homozygote.

Submissions (10):

Labcorp Genetics (formerly Invitae), Labcorp
Classification: Likely benign. Last evaluated: 2026-01-11. Review status: criteria provided, single submitter. Criteria: Invitae Variant Classification Sherloc (09022015). Collection method: clinical testing. Allele origin: germline.

Mayo Clinic Laboratories, Mayo Clinic
Classification: Uncertain significance. Last evaluated: 2025-12-02. Review status: criteria provided, single submitter. Criteria: ACMG Guidelines, 2015. Collection method: clinical testing. Allele origin: germline. Observed: 10 variant alleles.
Comment: BS1

CeGaT Center for Human Genetics Tuebingen
Classification: Uncertain significance. Last evaluated: 2025-08-01. Review status: criteria provided, single submitter. Criteria: CeGaT Center For Human Genetics Tuebingen Variant Classification Criteria Version 2. Collection method: clinical testing. Allele origin: germline. Affected: yes. Observed: 1 variant allele.

Blueprint Genetics
Classification: Likely benign. Last evaluated: 2024-11-19. Review status: criteria provided, single submitter. Criteria: ACMG Guidelines, 2015. Collection method: clinical testing. Allele origin: germline.

GeneDx
Classification: Uncertain significance. Last evaluated: 2024-09-23. Review status: criteria provided, single submitter. Criteria: GeneDx Variant Classification Process June 2021. Collection method: clinical testing. Allele origin: germline. Affected: yes.
Comment: Identified in the heterozygous state in individuals with extremely high or extemely low high density lipoprotein (HDL) levels in published literature (PMID: 26255038, 15297675, 20880529, 21875686, 32041611); Identified in a cohort of early-onset myocardial infarction cases and also identified in controls (PMID: 22923420); In silico analysis supports that this missense variant has a deleterious effect on protein structure/function; This variant is associated with the following publications: (PMID: 24497850, 25215231, 20880529, 26255038, 20849526, 20981092, 22923420, 37335386, 32041611, 36053979, 21875686, 34515563, 15297675)

Women's Health and Genetics/Laboratory Corporation of America, LabCorp
Classification: Benign. Last evaluated: 2021-05-24. Review status: criteria provided, single submitter. Criteria: LabCorp Variant Classification Summary - May 2015. Collection method: clinical testing. Allele origin: germline.
Comment: Variant summary: ABCA1 c.3542C>T (p.Ser1181Phe) results in a non-conservative amino acid change located in the ABC transporter-like domain (IPR003439) of the encoded protein sequence. Three of five in-silico tools predict a damaging effect of the variant on protein function. The variant allele was found at a frequency of 0.0013 in 251430 control chromosomes, predominantly at a frequency of 0.002 within the Non-Finnish European subpopulation in the gnomAD database. The observed variant frequency within Non-Finnish European control individuals in the gnomAD database is approximately 160- fold the estimated maximal expected allele frequency for a pathogenic variant in ABCA1 causing Early Onset Coronary Artery Disease phenotype (1.3e-05), strongly suggesting that the variant is a benign polymorphism found primarily in populations of Non-Finnish European origin. c.3542C>T has been reported in the literature in individuals affected with low HDL cholesterol (e.g. Cohen_2004, Candini_2010, Tietjen_2012). However, the variant has also been found at a similar frequency in cases and controls in a study of individuals with early onset myocaridal infarction (e.g. Beaudoin_2012). These reports do not provide unequivocal conclusions about association of the variant with Early Onset Coronary Artery Disease. To our knowledge, no experimental evidence demonstrating an impact on protein function has been reported. One clinical diagnostic laboratory has submitted clinical-significance assessments for this variant to ClinVar after 2014 without evidence for independent evaluation and cited the variant as likely benign. Based on the evidence outlined above, the variant was classified as benign.

Ambry Genetics
Classification: Likely benign for Cardiovascular phenotype. Last evaluated: 2019-10-21. Review status: criteria provided, single submitter. Criteria: Ambry Variant Classification Scheme 2023. Collection method: clinical testing. Allele origin: germline.

Baylor Genetics
Classification: Uncertain significance for Hypoalphalipoproteinemia, primary, 1. Last evaluated: 2018-10-25. Review status: criteria provided, single submitter. Criteria: ACMG Guidelines, 2015. Collection method: clinical testing. Allele origin: paternal. Affected: yes.
Comment: This variant was determined to be of uncertain significance according to ACMG Guidelines, 2015 [PMID:25741868]. This variant have been previously reported in individuals with high density lipoprotein (HDL) deficiency or abnormal cholesterol levels [PMID 15297675, 20981092, 20880529, 26255038, 24497850]

Illumina Laboratory Services, Illumina
Classification: Likely benign for Hypoalphalipoproteinemia, primary, 1. Last evaluated: 2017-04-27. Review status: criteria provided, single submitter. Criteria: ICSL Variant Classification Criteria 13 December 2019. Collection method: clinical testing. Allele origin: germline.
Comment: This variant was observed as part of a predisposition screen in an ostensibly healthy population. A literature search was performed for the gene, cDNA change, and amino acid change (where applicable). No publications were found based on this search. Allele frequency data from public databases allowed determination this variant is unlikely to cause disease. Therefore, this variant is classified as likely benign.

Illumina Laboratory Services, Illumina
Classification: Likely benign for Tangier disease. Last evaluated: 2017-04-27. Review status: criteria provided, single submitter. Criteria: ICSL Variant Classification Criteria 13 December 2019. Collection method: clinical testing. Allele origin: germline.
Comment: the same text as in the submission from Illumina Laboratory Services, Illumina above.

Literature cited by the submitters: PubMed 15297675 (cited by 4 submitters); PubMed 20849526 (cited by Mayo Clinic Laboratories, Mayo Clinic); PubMed 20880529 (cited by 4 submitters); PubMed 21875686 (cited by Mayo Clinic Laboratories, Mayo Clinic and Women's Health and Genetics/Laboratory Corporation of America, LabCorp); PubMed 22923420 (cited by Mayo Clinic Laboratories, Mayo Clinic and Women's Health and Genetics/Laboratory Corporation of America, LabCorp); PubMed 24497850 (cited by 3 submitters); PubMed 26255038 (cited by 3 submitters); PubMed 32041611 (cited by Mayo Clinic Laboratories, Mayo Clinic); PubMed 36053979 (cited by Mayo Clinic Laboratories, Mayo Clinic); PubMed 37335386 (cited by Mayo Clinic Laboratories, Mayo Clinic); PubMed 20981092 (cited by Ambry Genetics and Baylor Genetics).